The following is an entry in ClinVar:

NM_001048174.2(MUTYH):c.397G>A (p.Asp133Asn)

Gene: MUTYH (mutY DNA glycosylase; minus strand). Cytogenetic location: 1p34.1.
Variant type: single nucleotide variant.
Coding change: c.397G>A on transcript NM_001048174.2 (MANE Select); coding-DNA position 397, G replaced by A.
Protein change: p.Asp133Asn; replaces aspartic acid 133 with asparagine.
Molecular consequence: missense variant. On other transcripts: non-coding transcript variant (6), intron variant (4).
Genome position (GRCh38, 1-based): chr1:45,332,941, C>T on the plus strand (G>A on the coding strand, the complement: MUTYH is on the minus strand). VCF-style: chr1-45332941-C-T. GRCh37 (hg19) VCF-style: chr1-45798613-C-T.
Other names: c.400G>A, p.Asp134Asn (NM_001407071.1, NM_001407078.1, NM_001407086.1 and 1 more transcripts); c.397G>A, p.Asp133Asn (NM_001407072.1, NM_001407081.1, NM_001048171.2 and 5 more transcripts); c.313G>A, p.Asp105Asn (NM_001407075.1); c.430G>A, p.Asp144Asn (NM_001407077.1, NM_001293191.2); c.52G>A, p.Asp18Asn (NM_001407082.1, NM_001350650.2, NM_001350651.2); c.439G>A, p.Asp147Asn (NM_001407083.1, NM_001407085.1); c.481G>A, p.Asp161Asn (NM_001128425.2); c.442G>A, p.Asp148Asn (NM_001293190.2); and 7 more; short protein forms D105N, D140N, D134N, D144N, D148N, D18N, D133N, D158N.
Identifiers: ClinVar variation 4727148 (VCV004727148.1).

ClinVar aggregate classification (germline): Uncertain significance (1 of 4 stars; one submission).

Conditions:
Familial adenomatous polyposis 2. Also called: FAP type 2; COLORECTAL ADENOMATOUS POLYPOSIS, AUTOSOMAL RECESSIVE; ADENOMAS, MULTIPLE COLORECTAL, AUTOSOMAL RECESSIVE; MYH-associated polyposis; MUTYH Polyposis; Adenomas, multiple colorectal. Identifiers: Orphanet 220460, Orphanet 247798, MedGen C3272841, MONDO:0012041, OMIM 608456.

Submission:

Labcorp Genetics (formerly Invitae), Labcorp
Classification: Uncertain significance for Familial adenomatous polyposis 2. Last evaluated: 2025-09-14. Review status: criteria provided, single submitter. Criteria: Invitae Variant Classification Sherloc (09022015). Collection method: clinical testing. Allele origin: germline.
Comment: This sequence change replaces aspartic acid, which is acidic and polar, with asparagine, which is neutral and polar, at codon 161 of the MUTYH protein (p.Asp161Asn). This variant is not present in population databases (gnomAD no frequency). This variant has not been reported in the literature in individuals affected with MUTYH-related conditions. An algorithm developed to predict the effect of missense changes on protein structure and function (PolyPhen-2) suggests that this variant is likely to be tolerated. In summary, the available evidence is currently insufficient to determine the role of this variant in disease. Therefore, it has been classified as a Variant of Uncertain Significance.